The following is an entry in ClinVar:

ClinVar aggregate classification (germline): Uncertain significance (1 of 4 stars; one submission).

Submission:

CeGaT Center for Human Genetics Tuebingen
Classification: Uncertain significance. Last evaluated: 2024-08-01. Review status: criteria provided, single submitter. Criteria: CeGaT Center For Human Genetics Tuebingen Variant Classification Criteria Version 2. Collection method: clinical testing. Allele origin: germline. Affected: yes. Observed: 1 variant allele.
Comment: APC: PM2, PP3, BP1

NM_000038.6(APC):c.1387A>G (p.Arg463Gly)

Gene: APC (APC regulator of Wnt signaling pathway; plus strand). Cytogenetic location: 5q22.2.
Variant type: single nucleotide variant.
Coding change: c.1387A>G on transcript NM_000038.6 (MANE Select); coding-DNA position 1387, A replaced by G.
Protein change: p.Arg463Gly; replaces arginine 463 with glycine.
Molecular consequence: missense variant. On other transcripts: non-coding transcript variant (2).
Genome position (GRCh38, 1-based): chr5:112,821,970, A>G. VCF-style: chr5-112821970-A-G. GRCh37 (hg19) VCF-style: chr5-112157667-A-G.
Other names: c.1009A>G, p.Arg337Gly (NM_001354904.2); c.907A>G, p.Arg303Gly (NM_001354905.2); c.538A>G, p.Arg180Gly (NM_001354906.2, NM_001407470.1); c.1417A>G, p.Arg473Gly (NM_001407446.1, NM_001354897.2); c.1387A>G, p.Arg463Gly (NM_001407447.1, NM_001407448.1, NM_001407449.1 and 4 more transcripts); c.1312A>G, p.Arg438Gly (NM_001407451.1, NM_001354898.2); c.1303A>G, p.Arg435Gly (NM_001407452.1, NM_001354899.2); c.1333A>G, p.Arg445Gly (NM_001127511.3); and 5 more; short protein forms R180G, R303G, R334G, R337G, R362G, R372G, R404G, R435G.
Identifiers: ClinVar variation 3342202 (VCV003342202.16).
Genomic context (GRCh38, chr5:112,821,970, plus strand): 5'-GAACATCAGATCTGTCCTGCTGTGTGTGTTCTAATGAAACTTTCATTTGATGAAGAGCAT[A>G]GACATGCAATGAATGAACTAGGTAAGACAAAAATGTTTTTTAATGACATAGACAATTACT-3'
Protein context (NP_000029.2, residues 453-473): LMKLSFDEEH[Arg463Gly]HAMNELGGLQ